The following is an entry in ClinVar:

ClinVar aggregate classification (germline): Likely benign (1 of 4 stars; one submission).

Conditions:
Cerebellar ataxia, impaired intellectual development, and dysequilibrium syndrome 1. Also called: Cerebellar hypoplasia and mental retardation with or without quadrupedal locomotion 1; Cerebellar ataxia, mental retardation, and dysequilibrium syndrome 1; Cerebellar ataxia, intellectual disability, and dysequilibrium syndrome 1; VLDLR Cerebellar Hypoplasia; CEREBELLAR ATAXIA AND MENTAL RETARDATION WITH OR WITHOUT QUADRUPEDAL LOCOMOTION 1; CEREBELLAR ATAXIA, CONGENITAL, AND MENTAL RETARDATION, AUTOSOMAL RECESSIVE. Identifiers: Orphanet 1766, MedGen C4551552, MONDO:0024542, OMIM 224050.

Allele frequency attached by ClinVar (database versions not stated): gnomAD 0.00109; 1000 Genomes Project 30x 0.00203; 1000 Genomes Project 0.00240; TOPMed 0.00145.
gnomAD v4.1: 351 of 1,116,726 alleles (0.031%); highest among the groups gnomAD compares: African/African-American, 0.39%; no homozygotes.

Submission:

Illumina Laboratory Services, Illumina
Classification: Likely benign for Cerebellar ataxia, impaired intellectual development, and dysequilibrium syndrome 1. Last evaluated: 2018-01-13. Review status: criteria provided, single submitter. Criteria: ICSL Variant Classification Criteria 13 December 2019. Collection method: clinical testing. Allele origin: germline.
Comment: This variant was observed in the ICSL laboratory as part of a predisposition screen in an ostensibly healthy population. It had not been previously curated by ICSL or reported in the Human Gene Mutation Database (HGMD: prior to June 1st, 2018), and was therefore a candidate for classification through an automated scoring system. Utilizing variant allele frequency, disease prevalence and penetrance estimates, and inheritance mode, an automated score was calculated to assess if this variant is too frequent to cause the disease. Based on the score and internal cut-off values, a variant classified as likely benign is not then subjected to further curation. The score for this variant resulted in a classification of likely benign for this disease.

NM_003383.5(VLDLR):c.-111C>T

Genes: VLDLR (very low density lipoprotein receptor; plus strand), VLDLR-AS1 (VLDLR antisense RNA 1; minus strand). Cytogenetic location: 9p24.2.
Variant type: single nucleotide variant.
Coding change: c.-111C>T on transcript NM_003383.5 (MANE Select); 111 bases upstream of the start codon, C replaced by T.
Molecular consequence: 5 prime UTR variant.
Genome position (GRCh38, 1-based): chr9:2,622,079, C>T. VCF-style: chr9-2622079-C-T. GRCh37 (hg19) VCF-style: chr9-2622079-C-T.
Other names: c.-111C>T (NM_001018056.3, NM_001322225.2, NM_001322226.2).
Identifiers: ClinVar variation 366351 (VCV000366351.6), dbSNP rs374367278, ClinGen allele CA10633279.
Genomic context (GRCh38, chr9:2,622,079, plus strand): 5'-GGGGGTGCCCTCTTCTTCCCCGCTCCCTTCCCCCGCCAACTCCTTCCCCTCCTTCTCCCC[C>T]TTTCCCCTCCCCGCCCCCACCTTCTTCCTCCTTTCGGAAGGACTGGTAACTTGTCGTGCG-3'